The following is an entry in ClinVar:

NM_002474.3(MYH11):c.3823C>G (p.Arg1275Gly)

Gene: MYH11 (myosin heavy chain 11; minus strand). Cytogenetic location: 16p13.11.
Variant type: single nucleotide variant.
Coding change: c.3823C>G on transcript NM_002474.3 (MANE Select); coding-DNA position 3823, C replaced by G.
Protein change: p.Arg1275Gly; replaces arginine 1275 with glycine.
Molecular consequence: missense variant.
Genome position (GRCh38, 1-based): chr16:15,726,883, G>C on the plus strand (C>G on the coding strand, the complement: MYH11 is on the minus strand). VCF-style: chr16-15726883-G-C. GRCh37 (hg19) VCF-style: chr16-15820740-G-C.
Other names: c.3844C>G, p.Arg1282Gly (NM_001040113.2, NM_001040114.2); c.3823C>G, p.Arg1275Gly (NM_022844.3); short protein forms R1282G, R1275G.
Identifiers: ClinVar variation 3019785 (VCV003019785.19), dbSNP rs1182738877, ClinGen allele CA394859995.

ClinVar aggregate classification (germline): Uncertain significance. Review status: criteria provided, multiple submitters, no conflicts (2 of 4 stars). 2 submissions from 2 submitters: Uncertain significance (2). Last evaluated 2024-08-01.

Conditions:
Aortic aneurysm, familial thoracic 4 (AAT4). Also called: AORTIC ANEURYSM/AORTIC DISSECTION AND PATENT DUCTUS ARTERIOSUS. Identifiers: MedGen C1851504, MONDO:0007568, OMIM 132900.

gnomAD v4.1: 5 of 1,612,268 alleles (0.00031%); highest among the groups gnomAD compares: Non-Finnish European, 0.00042%; no homozygotes.

Submissions (2):

CeGaT Center for Human Genetics Tuebingen
Classification: Uncertain significance. Last evaluated: 2024-08-01. Review status: criteria provided, single submitter. Criteria: CeGaT Center For Human Genetics Tuebingen Variant Classification Criteria Version 2. Collection method: clinical testing. Allele origin: germline. Affected: yes. Observed: 1 variant allele.
Comment: MYH11: PM2

Labcorp Genetics (formerly Invitae), Labcorp
Classification: Uncertain significance for Aortic aneurysm, familial thoracic 4. Last evaluated: 2023-07-06. Review status: criteria provided, single submitter. Criteria: Invitae Variant Classification Sherloc (09022015). Collection method: clinical testing. Allele origin: germline.
Comment: This variant has not been reported in the literature in individuals affected with MYH11-related conditions. This sequence change replaces arginine, which is basic and polar, with glycine, which is neutral and non-polar, at codon 1282 of the MYH11 protein (p.Arg1282Gly). This variant is not present in population databases (gnomAD no frequency). Advanced modeling of protein sequence and biophysical properties (such as structural, functional, and spatial information, amino acid conservation, physicochemical variation, residue mobility, and thermodynamic stability) performed at Invitae indicates that this missense variant is not expected to disrupt MYH11 protein function. In summary, the available evidence is currently insufficient to determine the role of this variant in disease. Therefore, it has been classified as a Variant of Uncertain Significance.